The following is an entry in ClinVar:

NM_001382391.1(CSPP1):c.2675C>T (p.Pro892Leu)

Gene: CSPP1 (centrosome and spindle pole associated protein 1; plus strand). Cytogenetic location: 8q13.2.
Variant type: single nucleotide variant.
Coding change: c.2675C>T on transcript NM_001382391.1 (MANE Select); coding-DNA position 2675, C replaced by T.
Protein change: p.Pro892Leu; replaces proline 892 with leucine.
Molecular consequence: missense variant.
Genome position (GRCh38, 1-based): chr8:67,163,763, C>T. VCF-style: chr8-67163763-C-T. GRCh37 (hg19) VCF-style: chr8-68075998-C-T.
Other names: c.1625C>T, p.Pro542Leu (NM_001291339.2); c.2594C>T, p.Pro865Leu (NM_001363131.2); c.2480C>T, p.Pro827Leu (NM_001363132.2); c.2399C>T, p.Pro800Leu (NM_001363133.2); c.2741C>T, p.Pro914Leu (NM_001364869.1); c.2561C>T, p.Pro854Leu (NM_001364870.1); c.2660C>T, p.Pro887Leu (NM_024790.7); short protein forms P800L, P854L, P887L, P542L, P827L, P892L, P865L, P914L.
Identifiers: ClinVar variation 2085505 (VCV002085505.4), dbSNP rs779762140, ClinGen allele CA4770906.

ClinVar aggregate classification (germline): Uncertain significance. Review status: criteria provided, multiple submitters, no conflicts (2 of 4 stars). 3 submissions from 3 submitters: Uncertain significance (2). 1 of the submissions does not count toward it. Last evaluated 2024-08-10.

Conditions:
Joubert syndrome 21 (JBTS21). Identifiers: MedGen C3810212, MONDO:0014288, OMIM 615636.
Retinal dystrophy. Also called: Inherited retinal dystrophy. Identifiers: Orphanet 71862, MedGen C0854723, MeSH D058499, MONDO:0019118, HP:0000556.
Inborn genetic diseases. Identifiers: MedGen C0950123, MeSH D030342.

Allele frequency attached by ClinVar (database versions not stated): TOPMed 0.00002; 1000 Genomes Project 30x 0.00016.
gnomAD v4.1: 57 of 1,613,548 alleles (0.0035%); highest among the groups gnomAD compares: East Asian, 0.045%; no homozygotes.

Submissions (3):

Ambry Genetics
Classification: Uncertain significance for Inborn genetic diseases. Last evaluated: 2024-08-10. Review status: criteria provided, single submitter. Criteria: Ambry Variant Classification Scheme 2023. Collection method: clinical testing. Allele origin: germline.

Labcorp Genetics (formerly Invitae), Labcorp
Classification: Uncertain significance for Joubert syndrome 21. Last evaluated: 2023-07-10. Review status: criteria provided, single submitter. Criteria: Invitae Variant Classification Sherloc (09022015). Collection method: clinical testing. Allele origin: germline.
Comment: This sequence change replaces proline, which is neutral and non-polar, with leucine, which is neutral and non-polar, at codon 887 of the CSPP1 protein (p.Pro887Leu). This variant is present in population databases (rs779762140, gnomAD 0.008%). This variant has not been reported in the literature in individuals affected with CSPP1-related conditions. ClinVar contains an entry for this variant (Variation ID: 2085505). An algorithm developed to predict the effect of missense changes on protein structure and function (PolyPhen-2) suggests that this variant¬†is likely to be tolerated. In summary, the available evidence is currently insufficient to determine the role of this variant in disease. Therefore, it has been classified as a Variant of Uncertain Significance.

Institute of Human Genetics, Univ. Regensburg, Univ. Regensburg
Classification: Uncertain significance for Retinal dystrophy. Last evaluated: 2022-01-01. Review status: no assertion criteria provided. Criteria: ACMG Guidelines, 2015. Collection method: clinical testing. Allele origin: germline. Affected: yes. Not counted in ClinVar's aggregate classification.